The following is an entry in ClinVar:

ClinVar aggregate classification (germline): Likely pathogenic (1 of 4 stars; one submission).

Conditions:
Hereditary spastic paraplegia 48. Also called: SPASTIC PARAPLEGIA 48, AUTOSOMAL RECESSIVE; Spastic paraplegia 48. Identifiers: Orphanet 306511, MedGen C3150901, MONDO:0013342, OMIM 613647.

Allele frequency attached by ClinVar (database versions not stated): gnomAD exomes 0.00001.
gnomAD v4.1: 17 of 1,594,886 alleles (0.0011%); highest among the groups gnomAD compares: Non-Finnish European, 0.0014%; no homozygotes.

Submission:

Labcorp Genetics (formerly Invitae), Labcorp
Classification: Likely pathogenic for Hereditary spastic paraplegia 48. Last evaluated: 2018-08-12. Review status: criteria provided, single submitter. Criteria: Invitae Variant Classification Sherloc (09022015). Collection method: clinical testing. Allele origin: germline.
Comment: This sequence change affects a donor splice site in intron 7 of the AP5Z1 gene. It is expected to disrupt RNA splicing and likely results in an absent or disrupted protein product. This variant is not present in population databases (ExAC no frequency). This variant has not been reported in the literature in individuals with AP5Z1-related disease. Donor and acceptor splice site variants typically lead to a loss of protein function (PMID: 16199547), and loss-of-function variants in AP5Z1 are known to be pathogenic (PMID: 20613862, 27606357). In summary, the currently available evidence indicates that the variant is pathogenic, but additional data are needed to prove that conclusively. Therefore, this variant has been classified as Likely Pathogenic.

Literature cited by the submitters: PubMed 16199547; PubMed 20613862; PubMed 27606357.

NM_014855.3(AP5Z1):c.931+1G>A

Gene: AP5Z1 (adaptor related protein complex 5 subunit zeta 1; plus strand). Cytogenetic location: 7p22.1.
Variant type: single nucleotide variant.
Coding change: c.931+1G>A on transcript NM_014855.3 (MANE Select); the canonical splice donor site of the intron after coding-DNA position 931, G replaced by A.
Molecular consequence: splice donor variant.
Genome position (GRCh38, 1-based): chr7:4,785,049, G>A. VCF-style: chr7-4785049-G-A. GRCh37 (hg19) VCF-style: chr7-4824680-G-A.
Other names: c.463+1G>A (NM_001364858.1).
Identifiers: ClinVar variation 646210 (VCV000646210.4), dbSNP rs1583232513, ClinGen allele CA366661086.